The following is an entry in ClinVar:

ClinVar aggregate classification (germline): Uncertain significance (1 of 4 stars; one submission).

Allele frequency attached by ClinVar (database versions not stated): ExAC 0.00001; gnomAD 0.00001.
gnomAD v4.1: 1 of 1,613,904 alleles (0.000062%); highest among the groups gnomAD compares: Non-Finnish European, 0.000085%; no homozygotes.

Submission:

Labcorp Genetics (formerly Invitae), Labcorp
Classification: Uncertain significance. Last evaluated: 2022-08-01. Review status: criteria provided, single submitter. Criteria: Invitae Variant Classification Sherloc (09022015). Collection method: clinical testing. Allele origin: germline.
Comment: In summary, the available evidence is currently insufficient to determine the role of this variant in disease. Therefore, it has been classified as a Variant of Uncertain Significance. Algorithms developed to predict the effect of missense changes on protein structure and function output the following: SIFT: "Tolerated"; PolyPhen-2: "Benign"; Align-GVGD: "Class C0". The valine amino acid residue is found in multiple mammalian species, which suggests that this missense change does not adversely affect protein function. This variant has not been reported in the literature in individuals affected with SCN3A-related conditions. This variant is present in population databases (rs767038374, gnomAD 0.0009%). This sequence change replaces isoleucine, which is neutral and non-polar, with valine, which is neutral and non-polar, at codon 1872 of the SCN3A protein (p.Ile1872Val).

NM_006922.4(SCN3A):c.5614A>G (p.Ile1872Val)

Gene: SCN3A (sodium voltage-gated channel alpha subunit 3; minus strand). Cytogenetic location: 2q24.3.
Variant type: single nucleotide variant.
Coding change: c.5614A>G on transcript NM_006922.4 (MANE Select); coding-DNA position 5614, A replaced by G.
Protein change: p.Ile1872Val; replaces isoleucine 1872 with valine.
Molecular consequence: missense variant.
Genome position (GRCh38, 1-based): chr2:165,090,539, T>C on the plus strand (A>G on the coding strand, the complement: SCN3A is on the minus strand). VCF-style: chr2-165090539-T-C. GRCh37 (hg19) VCF-style: chr2-165947049-T-C.
Other names: c.5467A>G, p.Ile1823Val (NM_001081676.2, NM_001081677.2); short protein forms I1823V, I1872V.
Identifiers: ClinVar variation 2081585 (VCV002081585.4), dbSNP rs767038374, ClinGen allele CA1938378.